The following is an entry in ClinVar:

ClinVar aggregate classification (germline): Uncertain significance. Review status: criteria provided, multiple submitters, no conflicts (2 of 4 stars). 3 submissions from 3 submitters: Uncertain significance (3). Last evaluated 2023-11-14.

Conditions:
Infantile hypertrophic cardiomyopathy due to MRPL44 deficiency. Also called: Combined oxidative phosphorylation deficiency 16. Identifiers: Orphanet 352563, MedGen C3809339, MONDO:0014162, OMIM 615395.
Inborn genetic diseases. Identifiers: MedGen C0950123, MeSH D030342.

Allele frequency attached by ClinVar (database versions not stated): gnomAD exomes 0.00006 and 0.00007; ExAC 0.00007; gnomAD 0.00013 and 0.00015; 1000 Genomes Project 30x 0.00016; TOPMed 0.00018; 1000 Genomes Project 0.00020; ESP Exome Variant Server 0.00038.
gnomAD v4.1: 137 of 1,613,512 alleles (0.0085%); highest among the groups gnomAD compares: Middle Eastern, 0.43%; 2 homozygotes.

Submissions (3):

Labcorp Genetics (formerly Invitae), Labcorp
Classification: Uncertain significance. Last evaluated: 2023-11-14. Review status: criteria provided, single submitter. Criteria: Invitae Variant Classification Sherloc (09022015). Collection method: clinical testing. Allele origin: germline.
Comment: This sequence change replaces threonine, which is neutral and polar, with serine, which is neutral and polar, at codon 264 of the MRPL44 protein (p.Thr264Ser). This variant is present in population databases (rs141166571, gnomAD 0.03%). This variant has not been reported in the literature in individuals affected with MRPL44-related conditions. ClinVar contains an entry for this variant (Variation ID: 1029868). Advanced modeling of protein sequence and biophysical properties (such as structural, functional, and spatial information, amino acid conservation, physicochemical variation, residue mobility, and thermodynamic stability) performed at Invitae indicates that this missense variant is not expected to disrupt MRPL44 protein function with a negative predictive value of 80%. In summary, the available evidence is currently insufficient to determine the role of this variant in disease. Therefore, it has been classified as a Variant of Uncertain Significance.

Ambry Genetics
Classification: Uncertain significance for Inborn genetic diseases. Last evaluated: 2021-06-23. Review status: criteria provided, single submitter. Criteria: Ambry Variant Classification Scheme 2023. Collection method: clinical testing. Allele origin: germline.

Baylor Genetics
Classification: Uncertain significance for Infantile hypertrophic cardiomyopathy due to MRPL44 deficiency. Last evaluated: 2020-06-03. Review status: criteria provided, single submitter. Criteria: ACMG Guidelines, 2015. Collection method: clinical testing. Allele origin: unknown. Affected: yes.
Comment: This variant was determined to be of uncertain significance according to ACMG Guidelines, 2015 [PMID:25741868].

NM_022915.5(MRPL44):c.791C>G (p.Thr264Ser)

Gene: MRPL44 (mitochondrial ribosomal protein L44; plus strand). Cytogenetic location: 2q36.1.
Variant type: single nucleotide variant.
Coding change: c.791C>G on transcript NM_022915.5 (MANE Select); coding-DNA position 791, C replaced by G.
Protein change: p.Thr264Ser; replaces threonine 264 with serine.
Molecular consequence: missense variant.
Genome position (GRCh38, 1-based): chr2:223,963,898, C>G. VCF-style: chr2-223963898-C-G. GRCh37 (hg19) VCF-style: chr2-224828615-C-G.
Other names: short protein forms T264S.
Identifiers: ClinVar variation 1029868 (VCV001029868.5), dbSNP rs141166571, ClinGen allele CA2139116.